The following is an entry in ClinVar:

NM_000051.4(ATM):c.1608-2A>G

Gene: ATM (ATM serine/threonine kinase; plus strand). Cytogenetic location: 11q22.3.
Variant type: single nucleotide variant.
Coding change: c.1608-2A>G on transcript NM_000051.4 (MANE Select); the canonical splice acceptor site of the intron before coding-DNA position 1608, A replaced by G.
Molecular consequence: splice acceptor variant.
Genome position (GRCh38, 1-based): chr11:108,251,835, A>G. VCF-style: chr11-108251835-A-G. GRCh37 (hg19) VCF-style: chr11-108122562-A-G.
Other names: c.1608-2A>G (NM_001351834.2).
Identifiers: ClinVar variation 1692476 (VCV001692476.2), dbSNP rs2135338498, ClinGen allele CA382534462.

ClinVar aggregate classification (germline): Pathogenic/Likely pathogenic. Review status: criteria provided, multiple submitters, no conflicts (2 of 4 stars). 2 submissions from 2 submitters: Pathogenic (1); Likely pathogenic (1). Last evaluated 2023-10-05.

Conditions:
Hereditary cancer-predisposing syndrome. Also called: Hereditary Cancer Syndrome; Hereditary neoplastic syndrome; Neoplastic Syndromes, Hereditary; Tumor predisposition. Identifiers: Orphanet 140162, MedGen C0027672, MeSH D009386, MONDO:0015356.

Submissions (2):

Ambry Genetics
Classification: Pathogenic for Hereditary cancer-predisposing syndrome. Last evaluated: 2023-10-05. Review status: criteria provided, single submitter. Criteria: Ambry Variant Classification Scheme 2023. Collection method: clinical testing. Allele origin: germline.
Comment: The c.1608-2A>G pathogenic mutation results from an A to G substitution two nucleotides upstream from coding exon 10 in the ATM gene. This nucleotide position is highly conserved in available vertebrate species. This alteration has been reported in trans with a nonsense variant in ATM in a patient affected with ataxia-telangiectasia (Chen Z et al. PLoS One, 2015 Oct;10:e0139738). In silico splice site analysis predicts that this alteration may weaken the native splice acceptor site. RNA studies have demonstrated that this alteration results in abnormal splicing in the set of samples tested (Ambry internal data). This variant is considered to be rare based on population cohorts in the Genome Aggregation Database (gnomAD). Based on the supporting evidence, this alteration is interpreted as a disease-causing mutation.

Sema4
Classification: Likely pathogenic for Hereditary cancer-predisposing syndrome. Last evaluated: 2021-05-21. Review status: criteria provided, single submitter. Criteria: Sema4 Curation Guidelines. Collection method: curation. Allele origin: germline.
Comment: The ATM c.1608-2A>G variant has been reported in heterozygosity in at least 1 individual with ataxia telangiectasia (PMID: 26439923). This variant alters the canonical splice acceptor site in the intron 10 and is predicted to cause abnormal RNA splicing. This variant may cause exon skipping, intron retention or use of a cryptic splice site. Splice site variants typically lead to a loss of protein function, and loss-of-function variants in ATM are known to be pathogenic. This variant is not reported in the population database Genome Aggregation Database (PMID: 32461654). This variant has not been reported in ClinVar. Based on the current evidence available, this variant is interpreted as likely pathogenic.

Literature cited by the submitters: PubMed 26439923 (cited by Ambry Genetics and Sema4).